The following is an entry in ClinVar:

NR_001566.3(TERC):n.232dup

Genes: TERC (telomerase RNA component; minus strand), LOC110806306 (telomerase RNA component (TERC) promoter; plus strand). Cytogenetic location: 3q26.2.
Variant type: Duplication.
Genome position: GRCh38 VCF-style: chr3-169764828-C-CT. GRCh37 (hg19) VCF-style: chr3-169482616-C-CT.
Identifiers: ClinVar variation 2787205 (VCV002787205.3), dbSNP rs2474262245, ClinGen allele CA2739277856.

ClinVar aggregate classification (germline): Uncertain significance (1 of 4 stars; one submission).

Conditions:
Dyskeratosis congenita, autosomal dominant 1 (DKCA1). Also called: Dyskeratosis congenita Scoggins type. Identifiers: Orphanet 1775, MedGen C4551974, MONDO:0007485, OMIM 127550. Inheritance: Variable.

Submission:

Labcorp Genetics (formerly Invitae), Labcorp
Classification: Uncertain significance for Dyskeratosis congenita, autosomal dominant 1. Last evaluated: 2023-08-30. Review status: criteria provided, single submitter. Criteria: Invitae Variant Classification Sherloc (09022015). Collection method: clinical testing. Allele origin: germline.
Comment: This variant is located within the BoxH/ACA scaRNA domain of the TERC RNA component, which is required for telomerase activity (PMID: 21844345). This variant is not present in population databases (gnomAD no frequency). In summary, the available evidence is currently insufficient to determine the role of this variant in disease. Therefore, it has been classified as a Variant of Uncertain Significance. This variant has not been reported in the literature in individuals affected with TERC-related conditions. This variant occurs in the TERC gene, which encodes an RNA molecule that does not result in a protein product.

Literature cited by the submitters: PubMed 21844345.